The following is an entry in ClinVar:

ClinVar aggregate classification (germline): Uncertain significance. Review status: criteria provided, multiple submitters, no conflicts (2 of 4 stars). 4 submissions from 4 submitters: Uncertain significance (3). 1 of the submissions does not count toward it. Last evaluated 2024-06-18.

Conditions:
Pili torti-deafness syndrome (BJS). Also called: PILI TORTI AND NERVE DEAFNESS; Bjornstad syndrome. Identifiers: Orphanet 123, MedGen C0266006, MONDO:0009872, OMIM 262000.
GRACILE syndrome (FLNMS). Also called: FELLMAN SYNDROME; FINNISH LETHAL NEONATAL METABOLIC SYNDROME. Identifiers: Orphanet 53693, MedGen C1864002, MONDO:0011308, OMIM 603358.
Mitochondrial complex III deficiency nuclear type 1. Identifiers: Orphanet 254902, MedGen C3541471, MONDO:0007415, OMIM 124000.

Allele frequency attached by ClinVar (database versions not stated): ExAC 0.00001; gnomAD exomes 0.00001; gnomAD 0.00003 and 0.00004; TOPMed 0.00006.

Submissions (4):

Fulgent Genetics
Classification: Uncertain significance for Mitochondrial complex III deficiency nuclear type 1; Pili torti-deafness syndrome; GRACILE syndrome. Last evaluated: 2024-06-18. Review status: criteria provided, single submitter. Criteria: ACMG Guidelines, 2015. Collection method: clinical testing. Allele origin: germline.

GeneDx
Classification: Uncertain significance. Last evaluated: 2024-06-17. Review status: criteria provided, single submitter. Criteria: GeneDx Variant Classification Process June 2021. Collection method: clinical testing. Allele origin: germline. Affected: yes.
Comment: Has not been previously published as pathogenic or benign to our knowledge; In silico analysis indicates that this missense variant does not alter protein structure/function; Not observed at significant frequency in large population cohorts (gnomAD)

Labcorp Genetics (formerly Invitae), Labcorp
Classification: Uncertain significance. Last evaluated: 2022-03-30. Review status: criteria provided, single submitter. Criteria: Invitae Variant Classification Sherloc (09022015). Collection method: clinical testing. Allele origin: germline.
Comment: This sequence change replaces threonine, which is neutral and polar, with serine, which is neutral and polar, at codon 322 of the BCS1L protein (p.Thr322Ser). This variant is present in population databases (rs777854469, gnomAD 0.0009%). This variant has not been reported in the literature in individuals affected with BCS1L-related conditions. ClinVar contains an entry for this variant (Variation ID: 214168). Advanced modeling of protein sequence and biophysical properties (such as structural, functional, and spatial information, amino acid conservation, physicochemical variation, residue mobility, and thermodynamic stability) performed at Invitae indicates that this missense variant is not expected to disrupt BCS1L protein function. Algorithms developed to predict the effect of sequence changes on RNA splicing suggest that this variant may create or strengthen a splice site. In summary, the available evidence is currently insufficient to determine the role of this variant in disease. Therefore, it has been classified as a Variant of Uncertain Significance.

Natera, Inc.
Classification: Uncertain significance for GRACILE syndrome. Last evaluated: 2020-10-21. Review status: no assertion criteria provided. Collection method: clinical testing. Allele origin: germline. Not counted in ClinVar's aggregate classification.

NM_001079866.2(BCS1L):c.965C>G (p.Thr322Ser)

Gene: BCS1L (BCS1 ubiquinol-cytochrome c reductase complex chaperone; plus strand). Cytogenetic location: 2q35.
Variant type: single nucleotide variant.
Coding change: c.965C>G on transcript NM_001079866.2 (MANE Select); coding-DNA position 965, C replaced by G.
Protein change: p.Thr322Ser; replaces threonine 322 with serine.
Molecular consequence: missense variant. On other transcripts: non-coding transcript variant (1).
Genome position (GRCh38, 1-based): chr2:218,662,958, C>G. VCF-style: chr2-218662958-C-G. GRCh37 (hg19) VCF-style: chr2-219527681-C-G.
Other names: p.T322S:ACC>AGC; c.965C>G, p.Thr322Ser (NM_001257342.2, NM_001257343.2, NM_001257344.2 and 10 more transcripts); c.605C>G, p.Thr202Ser (NM_001318836.2, NM_001371451.1); c.464C>G, p.Thr155Ser (NM_001371452.1, NM_001371453.1, NM_001371454.1 and 3 more transcripts); short protein forms T322S, T202S, T155S.
Identifiers: ClinVar variation 214168 (VCV000214168.9), dbSNP rs777854469, ClinGen allele CA321951.